The following is an entry in ClinVar:

NM_000051.4(ATM):c.2736G>C (p.Gln912His)

Gene: ATM (ATM serine/threonine kinase; plus strand). Cytogenetic location: 11q22.3.
Variant type: single nucleotide variant.
Coding change: c.2736G>C on transcript NM_000051.4 (MANE Select); coding-DNA position 2736, G replaced by C.
Protein change: p.Gln912His; replaces glutamine 912 with histidine.
Molecular consequence: missense variant.
Genome position (GRCh38, 1-based): chr11:108,268,507, G>C. VCF-style: chr11-108268507-G-C. GRCh37 (hg19) VCF-style: chr11-108139234-G-C.
Other names: c.2736G>C, p.Gln912His (NM_001351834.2); short protein forms Q912H.
Identifiers: ClinVar variation 2128891 (VCV002128891.4), dbSNP rs757305928, ClinGen allele CA382545375.
Genomic context (GRCh38, chr11:108,268,507, plus strand): 5'-GCAAGATCTACTTTTCTTAGACATGCTCAAGTTCTTGTGTTTGTGTGTAACTACTGCTCA[G>C]ACCAATACTGTGTCCTTTAGGGCAGCTGATATTCGGAGGAAATTGTTAATGTTAATTGAT-3'
Protein context (NP_000042.3, residues 902-922): KFLCLCVTTA[Gln912His]TNTVSFRAAD

ClinVar aggregate classification (germline): Uncertain significance (1 of 4 stars; one submission).

Conditions:
Ataxia-telangiectasia syndrome (AT). Also called: Cerebello-oculocutaneous telangiectasia; Immunodeficiency with ataxia telangiectasia; Ataxia-telangiectasia, complementation group D; Ataxia telangiectasia (A-T); ATAXIA-TELANGIECTASIA, COMPLEMENTATION GROUP A; ATAXIA-TELANGIECTASIA, FRESNO VARIANT. Identifiers: Orphanet 100, MedGen C0004135, MONDO:0008840, OMIM 208900.

Submission:

Labcorp Genetics (formerly Invitae), Labcorp
Classification: Uncertain significance for Ataxia-telangiectasia syndrome. Last evaluated: 2022-03-23. Review status: criteria provided, single submitter. Criteria: Invitae Variant Classification Sherloc (09022015). Collection method: clinical testing. Allele origin: germline.
Comment: This sequence change replaces glutamine, which is neutral and polar, with histidine, which is basic and polar, at codon 912 of the ATM protein (p.Gln912His). This variant is not present in population databases (gnomAD no frequency). In summary, the available evidence is currently insufficient to determine the role of this variant in disease. Therefore, it has been classified as a Variant of Uncertain Significance. Algorithms developed to predict the effect of sequence changes on RNA splicing suggest that this variant may create or strengthen a splice site. Advanced modeling of protein sequence and biophysical properties (such as structural, functional, and spatial information, amino acid conservation, physicochemical variation, residue mobility, and thermodynamic stability) performed at Invitae indicates that this missense variant is not expected to disrupt ATM protein function. This variant has not been reported in the literature in individuals affected with ATM-related conditions.